The following is an entry in ClinVar:

ClinVar aggregate classification (germline): Benign/Likely benign. Review status: criteria provided, multiple submitters, no conflicts (2 of 4 stars). 10 submissions from 10 submitters: Benign (8); Likely benign (2). Last evaluated 2026-02-04.

Conditions:
Cardiovascular phenotype. Identifiers: MedGen CN230736.
Ehlers-Danlos syndrome (EDS). Identifiers: Orphanet 98249, MedGen C0013720, MONDO:0020066.
Brittle cornea syndrome 1 (BCS1). Also called: CORNEAL FRAGILITY, KERATOGLOBUS, BLUE SCLERAE, JOINT HYPEREXTENSIBILITY; EDS6B; FRAGILITAS OCULI WITH JOINT HYPEREXTENSIBILITY; DYSGENESIS MESODERMALIS CORNEAE ET SCLERAE; Corneal fragility keratoglobus, blue sclerae AND joint hypermobility. Identifiers: Orphanet 90354, MedGen C0268344, MONDO:0024543, OMIM 229200.

Allele frequency attached by ClinVar (database versions not stated): ExAC 0.02606; gnomAD exomes 0.02890; TOPMed 0.04228; gnomAD 0.04459 and 0.04541; 1000 Genomes Project 0.04712.
gnomAD v4.1: 42,800 of 1,545,454 alleles (2.8%); highest among the groups gnomAD compares: East Asian, 9.2%; 984 homozygotes.

Submissions (10):

Labcorp Genetics (formerly Invitae), Labcorp
Classification: Benign. Last evaluated: 2026-02-04. Review status: criteria provided, single submitter. Criteria: Invitae Variant Classification Sherloc (09022015). Collection method: clinical testing. Allele origin: germline.

Women's Health and Genetics/Laboratory Corporation of America, LabCorp
Classification: Likely benign. Last evaluated: 2026-01-22. Review status: criteria provided, single submitter. Criteria: LabCorp Variant Classification Summary - May 2015. Collection method: clinical testing. Allele origin: germline.

Blueprint Genetics
Classification: Benign. Last evaluated: 2024-11-27. Review status: criteria provided, single submitter. Criteria: ACMG Guidelines, 2015. Collection method: clinical testing. Allele origin: germline.

Mayo Clinic Laboratories, Mayo Clinic
Classification: Benign. Last evaluated: 2023-01-09. Review status: criteria provided, single submitter. Criteria: ACMG Guidelines, 2015. Collection method: clinical testing. Allele origin: germline. Observed: 139 variant alleles.

Genome Diagnostics Laboratory, The Hospital for Sick Children
Classification: Benign for Ehlers-Danlos syndrome. Last evaluated: 2022-03-11. Review status: criteria provided, single submitter. Criteria: ACMG Guidelines, 2015. Collection method: clinical testing. Allele origin: germline.

Genome-Nilou Lab
Classification: Benign for Brittle cornea syndrome 1. Last evaluated: 2021-12-05. Review status: criteria provided, single submitter. Criteria: ACMG Guidelines, 2015. Collection method: clinical testing. Allele origin: germline. Affected: no.

Ambry Genetics
Classification: Benign for Cardiovascular phenotype. Last evaluated: 2019-03-01. Review status: criteria provided, single submitter. Criteria: Ambry Variant Classification Scheme 2023. Collection method: clinical testing. Allele origin: germline.

GeneDx
Classification: Benign. Last evaluated: 2016-10-11. Review status: criteria provided, single submitter. Criteria: GeneDx Variant Classification (06012015). Collection method: clinical testing. Allele origin: germline. Affected: yes.
Comment: This variant is considered likely benign or benign based on one or more of the following criteria: it is a conservative change, it occurs at a poorly conserved position in the protein, it is predicted to be benign by multiple in silico algorithms, and/or has population frequency not consistent with disease.

Eurofins Ntd Llc (ga)
Classification: Benign. Last evaluated: 2015-08-03. Review status: criteria provided, single submitter. Criteria: EGL Classification Definitions 2015. Collection method: clinical testing. Allele origin: germline. Observed: 1 variant allele, 1 heterozygote.

Breakthrough Genomics
Classification: Likely benign. Review status: criteria provided, single submitter. Criteria: ACMG Guidelines, 2015. Collection method: not provided. Allele origin: germline. Inheritance: Autosomal recessive inheritance. Affected: yes.

NM_001367624.2(ZNF469):c.1285G>A (p.Ala429Thr)

Gene: ZNF469 (zinc finger protein 469; plus strand). Cytogenetic location: 16q24.2.
Variant type: single nucleotide variant.
Coding change: c.1285G>A on transcript NM_001367624.2 (MANE Select); coding-DNA position 1285, G replaced by A.
Protein change: p.Ala429Thr; replaces alanine 429 with threonine.
Molecular consequence: missense variant.
Genome position (GRCh38, 1-based): chr16:88,428,755, G>A. VCF-style: chr16-88428755-G-A. GRCh37 (hg19) VCF-style: chr16-88495163-G-A.
Other names: NM_001127464.1:c.1285G>A; NM_001127464.2:c.1285G>A; p.Ala429Thr; short protein forms A429T.
Identifiers: ClinVar variation 282051 (VCV000282051.26), dbSNP rs113937803, ClinGen allele CA8224669.